The following is an entry in ClinVar:

NM_005762.3(TRIM28):c.1101+8_1101+9dup

Gene: TRIM28 (tripartite motif containing 28; plus strand). Cytogenetic location: 19q13.43.
Variant type: Duplication.
Coding change: c.1101+8_1101+9dup on transcript NM_005762.3 (MANE Select); bases 8 to 9 of the intron after coding-DNA position 1101, 2 bases duplicated (CT; older notation c.1101+8_1101+9dupCT).
Molecular consequence: intron variant.
Genome position (GRCh38, 1-based): chr19:58,548,188-58,548,189, CT duplicated. VCF-style (leftmost placement, unchanged base first): chr19-58548187-A-ACT. GRCh37 (hg19) VCF-style: chr19-59059554-A-ACT.
Identifiers: ClinVar variation 2577908 (VCV002577908.1), dbSNP rs1568661240, ClinGen allele CA634324973.
Genomic context (GRCh38, chr19:58,548,187, plus strand): 5'-TCTTGGGCTCTGGAGAGTGACAACAACACAGCCCTTTTGCTTTCTAAGAAGTTGGTGTGT[A>ACT]CTGGTGGGCTCCTGGCTGGTGGGTTCCAGGCAGGTGGTTCCCAATACCTCAAATCCCTAT-3'

ClinVar aggregate classification (germline): Uncertain significance (1 of 4 stars; one submission).

Conditions:
Wilms tumor 1 (WT1). Also called: Wilms tumor, somatic. Identifiers: Orphanet 654, MedGen CN033288, MONDO:0008679, OMIM 194070.

Allele frequency attached by ClinVar (database versions not stated): gnomAD exomes below 0.00001.

Submission:

St. Jude Molecular Pathology, St. Jude Children's Research Hospital
Classification: Uncertain significance for Wilms tumor 1. Last evaluated: 2023-05-30. Review status: criteria provided, single submitter. Criteria: St. Jude Assertion Criteria 2020. Collection method: clinical testing. Allele origin: germline. Affected: yes.
Comment: The TRIM28 c.1101+8_1101+9dup intronic change results in a duplication of two nucleotides in intron 7 of the TRIM28 gene. Algorithms that predict the impact of sequence changes on splicing indicate that this variant does not affect splicing, and these predictions are supported by internal RNA data. This variant has a maximum subpopulation frequency of 0.00088% in gnomAD v2.1.1. Of note, TRIM28 germline variants are most commonly, but not exclusively, associated with the epithelial subtype of Wilms tumor (PMID: 32412586, 33565090). In summary, the evidence currently available is insufficient to determine the clinical significance of this variant. It has therefore been classified as of uncertain significance.